The following is an entry in ClinVar:

NM_000232.5(SGCB):c.373A>T (p.Ser125Cys)

Gene: SGCB (sarcoglycan beta; minus strand). Cytogenetic location: 4q12.
Variant type: single nucleotide variant.
Coding change: c.373A>T on transcript NM_000232.5 (MANE Select); coding-DNA position 373, A replaced by T.
Protein change: p.Ser125Cys; replaces serine 125 with cysteine.
Molecular consequence: missense variant.
Genome position (GRCh38, 1-based): chr4:52,029,734, T>A on the plus strand (A>T on the coding strand, the complement: SGCB is on the minus strand). VCF-style: chr4-52029734-T-A. GRCh37 (hg19) VCF-style: chr4-52895900-T-A.
Other names: short protein forms S125C.
Identifiers: ClinVar variation 2052734 (VCV002052734.4), dbSNP rs749276608, ClinGen allele CA2918425.

ClinVar aggregate classification (germline): Uncertain significance (1 of 4 stars; one submission).

Conditions:
Autosomal recessive limb-girdle muscular dystrophy type 2E (LGMDR4). Also called: MUSCULAR DYSTROPHY, LIMB-GIRDLE, AUTOSOMAL RECESSIVE 4. Identifiers: Orphanet 119, MedGen C1858593, MONDO:0011423, OMIM 604286. Disease mechanism: Affects gamma-sarcoglycan and also disrupts the integrity of the entire sarcoglycan complex..

Allele frequency attached by ClinVar (database versions not stated): gnomAD exomes below 0.00001.
gnomAD v4.1: 1 of 1,613,868 alleles (0.000062%); highest among the groups gnomAD compares: East Asian, 0.0022%; no homozygotes.

Submission:

Labcorp Genetics (formerly Invitae), Labcorp
Classification: Uncertain significance for Autosomal recessive limb-girdle muscular dystrophy type 2E. Last evaluated: 2022-07-06. Review status: criteria provided, single submitter. Criteria: Invitae Variant Classification Sherloc (09022015). Collection method: clinical testing. Allele origin: germline.
Comment: This sequence change replaces serine, which is neutral and polar, with cysteine, which is neutral and slightly polar, at codon 125 of the SGCB protein (p.Ser125Cys). This variant is present in population databases (rs749276608, gnomAD 0.006%). This variant has not been reported in the literature in individuals affected with SGCB-related conditions. Algorithms developed to predict the effect of missense changes on protein structure and function (SIFT, PolyPhen-2, Align-GVGD) all suggest that this variant is likely to be disruptive. In summary, the available evidence is currently insufficient to determine the role of this variant in disease. Therefore, it has been classified as a Variant of Uncertain Significance.